The following is an entry in ClinVar:

ClinVar aggregate classification (germline): Uncertain significance (1 of 4 stars; one submission).

gnomAD v4.1: 2 of 1,564,960 alleles (0.00013%); highest among the groups gnomAD compares: South Asian, 0.0012%; no homozygotes.

Submission:

GeneDx
Classification: Uncertain significance. Last evaluated: 2019-11-18. Review status: criteria provided, single submitter. Criteria: GeneDx Variant Classification Process June 2021. Collection method: clinical testing. Allele origin: germline. Affected: yes.
Comment: Has not been previously published as pathogenic or benign to our knowledge; Not observed in large population cohorts (Lek et al., 2016); In silico analysis, which includes protein predictors and evolutionary conservation, supports that this variant does not alter protein structure/function; The majority of missense variants in this gene are considered pathogenic (Stenson et al., 2014)

NM_030662.4(MAP2K2):c.74C>A (p.Thr25Asn)

Genes: MAP2K2 (mitogen-activated protein kinase kinase 2; minus strand), LOC130063193 (ATAC-STARR-seq lymphoblastoid silent region 9881; plus strand). Cytogenetic location: 19p13.3.
Variant type: single nucleotide variant.
Coding change: c.74C>A on transcript NM_030662.4 (MANE Select); coding-DNA position 74, C replaced by A.
Protein change: p.Thr25Asn; replaces threonine 25 with asparagine.
Molecular consequence: missense variant.
Genome position (GRCh38, 1-based): chr19:4,123,802, G>T on the plus strand (C>A on the coding strand, the complement: MAP2K2 is on the minus strand). VCF-style: chr19-4123802-G-T. GRCh37 (hg19) VCF-style: chr19-4123799-G-T.
Other names: short protein forms T25N.
Identifiers: ClinVar variation 1310007 (VCV001310007.2), dbSNP rs2145089782, ClinGen allele CA403395950.
Genomic context (GRCh38, chr19:4,123,802, plus strand): 5'-CCCCGTGCACCCCAAGCCTCCGGCTGACCCCTGCCCACTCACTCGGAGGCGCCCTCGCTG[G>T]TAGGGGATGGGCCCTCGGCGATGGTAGGGTTGATGGTGAGCGCCGGCAGCACCGGCTTCC-3'
Protein context (NP_109587.1, residues 15-35): NPTIAEGPSP[Thr25Asn]SEGASEANLV